The following is an entry in ClinVar:

ClinVar aggregate classification (germline): Uncertain significance. Review status: criteria provided, single submitter (1 of 4 stars). 2 submissions from 2 submitters: Uncertain significance (1). 1 of the submissions does not count toward it. Last evaluated 2022-10-17.

Conditions:
Intellectual disability. Also called: intellectual disabilities; Intellectual developmental disorder; Intellectual functioning disability. Identifiers: MedGen C3714756, MeSH D008607, MONDO:0001071, HP:0001249.
Developmental and epileptic encephalopathy, 36 (DEE36). Also called: ALG13-CDG; Epileptic encephalopathy, early infantile, 36; Congenital disorder of glycosylation, type Is. Identifiers: Orphanet 324422, MedGen C4317295, MONDO:0010472, OMIM 300884.

Allele frequency attached by ClinVar (database versions not stated): gnomAD exomes below 0.00001; TOPMed 0.00002.
gnomAD v4.1: 3 of 1,210,654 alleles (0.00025%); highest among the groups gnomAD compares: Non-Finnish European, 0.00034%; no homozygotes.

Submissions (2):

Labcorp Genetics (formerly Invitae), Labcorp
Classification: Uncertain significance for Developmental and epileptic encephalopathy, 36. Last evaluated: 2022-10-17. Review status: criteria provided, single submitter. Criteria: Invitae Variant Classification Sherloc (09022015). Collection method: clinical testing. Allele origin: germline.
Comment: This sequence change replaces leucine, which is neutral and non-polar, with serine, which is neutral and polar, at codon 864 of the ALG13 protein (p.Leu864Ser). This variant is not present in population databases (gnomAD no frequency). This variant has not been reported in the literature in individuals affected with ALG13-related conditions. ClinVar contains an entry for this variant (Variation ID: 975489). Advanced modeling of protein sequence and biophysical properties (such as structural, functional, and spatial information, amino acid conservation, physicochemical variation, residue mobility, and thermodynamic stability) performed at Invitae indicates that this missense variant is not expected to disrupt ALG13 protein function. In summary, the available evidence is currently insufficient to determine the role of this variant in disease. Therefore, it has been classified as a Variant of Uncertain Significance.

Centre de Biologie Pathologie Génétique, Centre Hospitalier Universitaire de Lille
Classification: Likely benign for Intellectual disability. Last evaluated: 2019-01-01. Review status: no assertion criteria provided. Collection method: clinical testing. Allele origin: inherited. Affected: yes. Not counted in ClinVar's aggregate classification.

NM_001099922.3(ALG13):c.2591T>C (p.Leu864Ser)

Gene: ALG13 (ALG13 UDP-N-acetylglucosaminyltransferase subunit; plus strand). Cytogenetic location: Xq23.
Variant type: single nucleotide variant.
Coding change: c.2591T>C on transcript NM_001099922.3 (MANE Select); coding-DNA position 2591, T replaced by C.
Protein change: p.Leu864Ser; replaces leucine 864 with serine.
Molecular consequence: missense variant. On other transcripts: non-coding transcript variant (1).
Genome position (GRCh38, 1-based): chrX:111,736,775, T>C. VCF-style: chrX-111736775-T-C. GRCh37 (hg19) VCF-style: chrX-110980003-T-C.
Other names: c.2279T>C, p.Leu760Ser (NM_001257230.2, NM_001257234.2, NM_001257237.2); c.2357T>C, p.Leu786Ser (NM_001257231.2); c.2591T>C, p.Leu864Ser (NM_001324292.2); c.2105T>C, p.Leu702Ser (NM_001324293.1); short protein forms L702S, L760S, L786S, L864S.
Identifiers: ClinVar variation 975489 (VCV000975489.3), dbSNP rs1408463417, ClinGen allele CA414254426.